The following is an entry in ClinVar:

ClinVar aggregate classification (germline): Conflicting classifications of pathogenicity. Review status: criteria provided, conflicting classifications (1 of 4 stars). 4 submissions from 4 submitters: Pathogenic (1); Likely pathogenic (1); Uncertain significance (1). 1 of the submissions does not count toward it. Last evaluated 2025-07-10.

Conditions:
Tay-Sachs disease (TSD). Also called: HEXA DEFICIENCY; GM2 gangliosidosis, type 1; Hexosaminidase alpha-subunit deficiency (variant B); Sphingolipidosis, Tay-Sachs; Hexosaminidase A Deficiency; HEXA Disorders. Identifiers: Orphanet 845, MedGen C0039373, MONDO:0010100, OMIM 272800.

Allele frequency attached by ClinVar (database versions not stated): gnomAD below 0.00001 and 0.00001.
gnomAD v4.1: 2 of 1,614,016 alleles (0.00012%); highest among the groups gnomAD compares: South Asian, 0.0011%; no homozygotes.

Submissions (4):

Women's Health and Genetics/Laboratory Corporation of America, LabCorp
Classification: Likely pathogenic for Tay-Sachs disease. Last evaluated: 2025-07-10. Review status: criteria provided, single submitter. Criteria: LabCorp Variant Classification Summary - May 2015. Collection method: clinical testing. Allele origin: germline.
Comment: Variant summary: HEXA c.788C>T (p.Thr263Ile) results in a non-conservative amino acid change located in the Glycoside hydrolase family 20, catalytic domain (IPR015883) of the encoded protein sequence. Algorithms developed to predict the effect of missense changes on protein structure and function all suggest that this variant is likely to be disruptive. The variant was absent in 251470 control chromosomes. c.788C>T has been observed in individual(s) affected with Tay-Sachs Disease with reduced enzyme activity (example: Sheth_2014, internal data). These data indicate that the variant may be associated with disease. The following publications has been ascertained in the context of this evaluation (PMID: 23852624) ClinVar contains an entry for this variant (Variation ID: 375356). Based on the evidence outlined above, the variant was classified as likely pathogenic.

Labcorp Genetics (formerly Invitae), Labcorp
Classification: Pathogenic for Tay-Sachs disease. Last evaluated: 2024-07-10. Review status: criteria provided, single submitter. Criteria: Invitae Variant Classification Sherloc (09022015). Collection method: clinical testing. Allele origin: germline.
Comment: This sequence change replaces threonine, which is neutral and polar, with isoleucine, which is neutral and non-polar, at codon 263 of the HEXA protein (p.Thr263Ile). This variant is not present in population databases (gnomAD no frequency). This missense change has been observed in individual(s) with Tay-Sachs disease (PMID: 23852624; Invitae). In at least one individual the data is consistent with being in trans (on the opposite chromosome) from a pathogenic variant. ClinVar contains an entry for this variant (Variation ID: 375356). Advanced modeling of protein sequence and biophysical properties (such as structural, functional, and spatial information, amino acid conservation, physicochemical variation, residue mobility, and thermodynamic stability) performed at Invitae indicates that this missense variant is expected to disrupt HEXA protein function with a positive predictive value of 80%. For these reasons, this variant has been classified as Pathogenic.

Neuberg Centre For Genomic Medicine, NCGM
Classification: Uncertain significance for Tay-Sachs disease. Review status: criteria provided, single submitter. Criteria: ACMG Guidelines, 2015. Collection method: clinical testing. Allele origin: germline. Affected: yes.
Comment: The missense variant p.T263I in HEXA (NM_000520.6) has been submitted to ClinVar as Likely Pathogenic.However no clinical details are available to make an independent assesment. The p.T263I variant is novel (not in any individuals) in gnomAD Exomes and is novel (not in any individuals) in 1000 Genomes. The p.T263I missense variant is predicted to be damaging by both SIFT and PolyPhen2. The threonine residue at codon 263 of HEXA is conserved in all mammalian species. The nucleotide c.788 in HEXA is predicted conserved by GERP++ and PhyloP across 100 vertebrates. For these reasons, this variant has been classified as Uncertain Significance.

Foundation for Research in Genetics and Endocrinology, FRIGE's Institute of Human Genetics
Classification: Likely pathogenic for Tay-Sachs disease. Last evaluated: 2011-03-14. Review status: no assertion criteria provided. Collection method: research. Allele origin: germline. Inheritance: Autosomal recessive inheritance. Affected: yes. Observed: 1 homozygote. Not counted in ClinVar's aggregate classification.

Literature cited by the submitters: PubMed 23852624 (cited by 3 submitters).

NM_000520.6(HEXA):c.788C>T (p.Thr263Ile)

Gene: HEXA (hexosaminidase subunit alpha; minus strand). Cytogenetic location: 15q23.
Variant type: single nucleotide variant.
Coding change: c.788C>T on transcript NM_000520.6 (MANE Select); coding-DNA position 788, C replaced by T.
Protein change: p.Thr263Ile; replaces threonine 263 with isoleucine.
Molecular consequence: missense variant. On other transcripts: non-coding transcript variant (1).
Genome position (GRCh38, 1-based): chr15:72,350,535, G>A on the plus strand (C>T on the coding strand, the complement: HEXA is on the minus strand). VCF-style: chr15-72350535-G-A. GRCh37 (hg19) VCF-style: chr15-72642876-G-A.
Other names: c.788C>T (NM_000520.5); c.821C>T, p.Thr274Ile (NM_001318825.2); short protein forms T263I, T274I.
Identifiers: ClinVar variation 375356 (VCV000375356.15), dbSNP rs1057519462, ClinGen allele CA16044205.
Genomic context (GRCh38, chr15:72,350,535, plus strand): 5'-GCATAACAAGCAGAGTCCCTCTGGTCCCAGACATCATTCTTACCTGGTCCCCAGGACAAA[G>A]TGTGGCCAGGAGTGTCAAACTCTGCAAGCACACGGATACCCCGGAGCCGTGCGTATTCAA-3'
Protein context (NP_000511.2, residues 253-273): VLAEFDTPGH[Thr263Ile]LSWGPGIPGL